The following is an entry in ClinVar:

ClinVar aggregate classification (germline): Uncertain significance (1 of 4 stars; one submission).

Conditions:
Emery-Dreifuss muscular dystrophy 5, autosomal dominant (EDMD5). Also called: EMERY-DREIFUSS MUSCULAR DYSTROPHY 5. Identifiers: Orphanet 261, MedGen C2751805, MONDO:0013072, OMIM 612999.

Submission:

Labcorp Genetics (formerly Invitae), Labcorp
Classification: Uncertain significance for Emery-Dreifuss muscular dystrophy 5, autosomal dominant. Last evaluated: 2025-05-19. Review status: criteria provided, single submitter. Criteria: Invitae Variant Classification Sherloc (09022015). Collection method: clinical testing. Allele origin: germline.
Comment: This sequence change replaces leucine, which is neutral and non-polar, with phenylalanine, which is neutral and non-polar, at codon 5509 of the SYNE2 protein (p.Leu5509Phe). This variant is not present in population databases (gnomAD no frequency). This variant has not been reported in the literature in individuals affected with SYNE2-related conditions. An algorithm developed to predict the effect of missense changes on protein structure and function (PolyPhen-2) suggests that this variant is likely to be disruptive. In summary, the available evidence is currently insufficient to determine the role of this variant in disease. Therefore, it has been classified as a Variant of Uncertain Significance.

NM_182914.3(SYNE2):c.16527A>T (p.Leu5509Phe)

Gene: SYNE2 (spectrin repeat containing nuclear envelope protein 2; plus strand). Cytogenetic location: 14q23.2.
Variant type: single nucleotide variant.
Coding change: c.16527A>T on transcript NM_182914.3 (MANE Select); coding-DNA position 16527, A replaced by T.
Protein change: p.Leu5509Phe; replaces leucine 5509 with phenylalanine.
Molecular consequence: missense variant.
Genome position (GRCh38, 1-based): chr14:64,165,332, A>T. VCF-style: chr14-64165332-A-T. GRCh37 (hg19) VCF-style: chr14-64632050-A-T.
Other names: c.16527A>T, p.Leu5509Phe (NM_015180.6); short protein forms L5509F.
Identifiers: ClinVar variation 4737690 (VCV004737690.1).